The following is an entry in ClinVar:

NM_021830.5(TWNK):c.1988A>T (p.Asn663Ile)

Gene: TWNK (twinkle mtDNA helicase; plus strand). Cytogenetic location: 10q24.31.
Variant type: single nucleotide variant.
Coding change: c.1988A>T on transcript NM_021830.5 (MANE Select); coding-DNA position 1988, A replaced by T.
Protein change: p.Asn663Ile; replaces asparagine 663 with isoleucine.
Molecular consequence: missense variant. On other transcripts: 3 prime UTR variant (2), non-coding transcript variant (5).
Genome position (GRCh38, 1-based): chr10:100,993,443, A>T. VCF-style: chr10-100993443-A-T. GRCh37 (hg19) VCF-style: chr10-102753200-A-T.
Other names: c.*283A>T (NM_001163812.2, NM_001163814.2); c.626A>T, p.Asn209Ile (NM_001163813.2, NM_001368275.1); short protein forms N209I, N663I.
Identifiers: ClinVar variation 4853553 (VCV004853553.1).

ClinVar aggregate classification (germline): Uncertain significance (1 of 4 stars; one submission).

gnomAD v4.1: 20 of 1,614,058 alleles (0.0012%); highest among the groups gnomAD compares: Non-Finnish European, 0.0016%; no homozygotes.

Submission:

Women's Health and Genetics/Laboratory Corporation of America, LabCorp
Classification: Uncertain significance. Last evaluated: 2026-05-05. Review status: criteria provided, single submitter. Criteria: LabCorp Variant Classification Summary - May 2015. Collection method: clinical testing. Allele origin: germline.
Comment: Variant summary: TWNK c.1988A>T (p.Asn663Ile) results in a non-conservative amino acid change in the encoded protein sequence. Algorithms developed to predict the effect of missense changes on protein structure and function are either unavailable or do not agree on the potential impact of this missense change. The variant allele was found at a frequency of 4e-06 in 251292 control chromosomes. The available data on variant occurrences in the general population are insufficient to allow any conclusion about variant significance. To our knowledge, no occurrence of c.1988A>T in individuals affected with TWNK-related conditions and no experimental evidence demonstrating its impact on protein function have been reported. No submitters have cited clinical-significance assessments for this variant to ClinVar. Based on the evidence outlined above, the variant was classified as uncertain significance.